The following is an entry in ClinVar:

ClinVar aggregate classification (germline): Likely pathogenic (1 of 4 stars; one submission).

Conditions:
Bardet-Biedl syndrome 10 (BBS10). Identifiers: Orphanet 110, MedGen C1859568, MONDO:0014438, OMIM 615987.

Submission:

Natera, Inc.
Classification: Likely pathogenic for Bardet-Biedl syndrome type 10. Last evaluated: 2025-11-10. Review status: criteria provided, single submitter. Criteria: Natera Variant Classification Schema (03/2026). Collection method: clinical testing. Allele origin: germline.
Comment: The c.818C>A variant in BBS10 is a nonsense variant predicted to introduce a stop codon at amino acid 273. This variant is expected to result in nonsense mediated decay, truncation, or a dysfunctional protein product. This variant is rare in the general population with a frequency below the threshold expected for the associated phenotype(s). Given the available evidence, this variant is classified as Likely Pathogenic.

NM_024685.4(BBS10):c.818C>A (p.Ser273Ter)

Gene: BBS10 (Bardet-Biedl syndrome 10; minus strand). Cytogenetic location: 12q21.2.
Variant type: single nucleotide variant.
Coding change: c.818C>A on transcript NM_024685.4 (MANE Select); coding-DNA position 818, C replaced by A.
Protein change: p.Ser273Ter; replaces serine 273 with a stop codon.
Molecular consequence: nonsense.
Genome position (GRCh38, 1-based): chr12:76,347,167, G>T on the plus strand (C>A on the coding strand, the complement: BBS10 is on the minus strand). VCF-style: chr12-76347167-G-T. GRCh37 (hg19) VCF-style: chr12-76740947-G-T.
Other names: short protein forms S273*.
Identifiers: ClinVar variation 4816170 (VCV004816170.1).
Genomic context (GRCh38, chr12:76,347,167, plus strand): 5'-TTTTCCATAATCCAAAATTGAGATGTCTGAAACTGTGCTTCTGAATTTAGAATAAACTCT[G>T]ATCCAGAAGTGGAAAAAAGAGGCTGAATGGTTTCTGTTACTATCACCATTCGCATGTCAC-3'